The following is an entry in ClinVar:

NM_000256.3(MYBPC3):c.1277G>A (p.Cys426Tyr)

Gene: MYBPC3 (myosin binding protein C3; minus strand). Cytogenetic location: 11p11.2.
Variant type: single nucleotide variant.
Coding change: c.1277G>A on transcript NM_000256.3 (MANE Select); coding-DNA position 1277, G replaced by A.
Protein change: p.Cys426Tyr; replaces cysteine 426 with tyrosine.
Molecular consequence: missense variant.
Genome position (GRCh38, 1-based): chr11:47,343,095, C>T on the plus strand (G>A on the coding strand, the complement: MYBPC3 is on the minus strand). VCF-style: chr11-47343095-C-T. GRCh37 (hg19) VCF-style: chr11-47364646-C-T.
Other names: short protein forms C426Y.
Identifiers: ClinVar variation 1376873 (VCV001376873.9), dbSNP rs2142861739, ClinGen allele CA380327452.

ClinVar aggregate classification (germline): Uncertain significance. Review status: criteria provided, multiple submitters, no conflicts (2 of 4 stars). 2 submissions from 2 submitters: Uncertain significance (2). Last evaluated 2024-01-11.

Conditions:
Cardiovascular phenotype. Identifiers: MedGen CN230736.
Hypertrophic cardiomyopathy. Also called: HYPERTROPHIC MYOCARDIOPATHY. Identifiers: Orphanet 217569, MedGen C0007194, MeSH D002312, MONDO:0005045, HP:0001639.

Allele frequency attached by ClinVar (database versions not stated): gnomAD exomes below 0.00001.
gnomAD v4.1: 2 of 1,612,184 alleles (0.00012%); highest among the groups gnomAD compares: Non-Finnish European, 0.00017%; no homozygotes.

Submissions (2):

Ambry Genetics
Classification: Uncertain significance for Cardiovascular phenotype. Last evaluated: 2024-01-11. Review status: criteria provided, single submitter. Criteria: Ambry Variant Classification Scheme 2023. Collection method: clinical testing. Allele origin: germline.
Comment: The p.C426Y variant (also known as c.1277G>A), located in coding exon 15 of the MYBPC3 gene, results from a G to A substitution at nucleotide position 1277. The cysteine at codon 426 is replaced by tyrosine, an amino acid with highly dissimilar properties. This amino acid position is conserved. In addition, this alteration is predicted to be deleterious by in silico analysis. Since supporting evidence is limited at this time, the clinical significance of this alteration remains unclear.

Labcorp Genetics (formerly Invitae), Labcorp
Classification: Uncertain significance for Hypertrophic cardiomyopathy. Last evaluated: 2021-03-07. Review status: criteria provided, single submitter. Criteria: Invitae Variant Classification Sherloc (09022015). Collection method: clinical testing. Allele origin: germline.
Comment: This sequence change replaces cysteine with tyrosine at codon 426 of the MYBPC3 protein (p.Cys426Tyr). The cysteine residue is highly conserved and there is a large physicochemical difference between cysteine and tyrosine. This variant is not present in population databases (ExAC no frequency). This variant has not been reported in the literature in individuals with MYBPC3-related conditions. Algorithms developed to predict the effect of missense changes on protein structure and function (SIFT, PolyPhen-2, Align-GVGD) all suggest that this variant is likely to be disruptive, but these predictions have not been confirmed by published functional studies and their clinical significance is uncertain. In summary, the available evidence is currently insufficient to determine the role of this variant in disease. Therefore, it has been classified as a Variant of Uncertain Significance.